The following is an entry in ClinVar:

NM_052947.4(ALPK2):c.1229T>C (p.Val410Ala)

Genes: ALPK2 (alpha kinase 2; minus strand), LOC114803473 (ALPK2 eExon liver enhancer; plus strand). Cytogenetic location: 18q21.31.
Variant type: single nucleotide variant.
Coding change: c.1229T>C on transcript NM_052947.4 (MANE Select); coding-DNA position 1229, T replaced by C.
Protein change: p.Val410Ala; replaces valine 410 with alanine.
Molecular consequence: missense variant.
Genome position (GRCh38, 1-based): chr18:58,579,547, A>G on the plus strand (T>C on the coding strand, the complement: ALPK2 is on the minus strand). VCF-style: chr18-58579547-A-G. GRCh37 (hg19) VCF-style: chr18-56246779-A-G.
Other names: short protein forms V410A.
Identifiers: ClinVar variation 3290377 (VCV003290377.1).

ClinVar aggregate classification (germline): Uncertain significance (1 of 4 stars; one submission).

gnomAD v4.1: 2 of 1,613,180 alleles (0.00012%); highest among the groups gnomAD compares: South Asian, 0.0022%; no homozygotes.

Submission:

Ambry Genetics
Classification: Uncertain significance. Last evaluated: 2024-05-16. Review status: criteria provided, single submitter. Criteria: Ambry Variant Classification Scheme 2023. Collection method: clinical testing. Allele origin: germline.
Comment: The p.V410A variant (also known as c.1229T>C), located in coding exon 3 of the ALPK2 gene, results from a T to C substitution at nucleotide position 1229. The valine at codon 410 is replaced by alanine, an amino acid with similar properties. This amino acid position is conserved. In addition, this alteration is predicted to be tolerated by in silico analysis. Based on the available evidence, the clinical significance of this variant remains unclear.